The following is an entry in ClinVar:

ClinVar aggregate classification (germline): Uncertain significance (1 of 4 stars; one submission).

Submission:

Labcorp Genetics (formerly Invitae), Labcorp
Classification: Uncertain significance. Last evaluated: 2025-03-13. Review status: criteria provided, single submitter. Criteria: Invitae Variant Classification Sherloc (09022015). Collection method: clinical testing. Allele origin: germline.
Comment: This sequence change replaces arginine, which is basic and polar, with glycine, which is neutral and non-polar, at codon 955 of the POLE protein (p.Arg955Gly). This variant is not present in population databases (gnomAD no frequency). This variant has not been reported in the literature in individuals affected with POLE-related conditions. ClinVar contains an entry for this variant (Variation ID: 966665). An algorithm developed to predict the effect of missense changes on protein structure and function (PolyPhen-2) suggests that this variant is likely to be disruptive. Algorithms developed to predict the effect of sequence changes on RNA splicing suggest that this variant may disrupt the consensus splice site. In summary, the available evidence is currently insufficient to determine the role of this variant in disease. Therefore, it has been classified as a Variant of Uncertain Significance.

NM_006231.4(POLE):c.2863A>G (p.Arg955Gly)

Gene: POLE (DNA polymerase epsilon, catalytic subunit; minus strand). Cytogenetic location: 12q24.33.
Variant type: single nucleotide variant.
Coding change: c.2863A>G on transcript NM_006231.4 (MANE Select); coding-DNA position 2863, A replaced by G.
Protein change: p.Arg955Gly; replaces arginine 955 with glycine.
Molecular consequence: missense variant.
Genome position (GRCh38, 1-based): chr12:132,661,528, T>C on the plus strand (A>G on the coding strand, the complement: POLE is on the minus strand). VCF-style: chr12-132661528-T-C. GRCh37 (hg19) VCF-style: chr12-133238114-T-C.
Other names: short protein forms R955G.
Identifiers: ClinVar variation 966665 (VCV000966665.7), dbSNP rs2042681407, ClinGen allele CA387393524.